The following is an entry in ClinVar:

ClinVar aggregate classification (germline): Likely pathogenic (1 of 4 stars; one submission).

Conditions:
Brain malformations with or without urinary tract defects. Also called: Brain malformations and urinary tract defects. Identifiers: MedGen C4478940, MONDO:0100478, OMIM 613735.

Submission:

Laboratory of Medical Genetics, National & Kapodistrian University of Athens
Classification: Likely pathogenic for Brain malformations with or without urinary tract defects. Last evaluated: 2023-02-03. Review status: criteria provided, single submitter. Criteria: ACMG Guidelines, 2015. Collection method: clinical testing. Allele origin: maternal. Affected: yes.
Comment: PVS1, PM2

NM_001134673.4(NFIA):c.925G>T (p.Gly309Ter)

Gene: NFIA (nuclear factor I A; plus strand). Cytogenetic location: 1p31.3.
Variant type: single nucleotide variant.
Coding change: c.925G>T on transcript NM_001134673.4 (MANE Select); coding-DNA position 925, G replaced by T.
Protein change: p.Gly309Ter; replaces glycine 309 with a stop codon.
Molecular consequence: nonsense.
Genome position (GRCh38, 1-based): chr1:61,359,253, G>T. VCF-style: chr1-61359253-G-T. GRCh37 (hg19) VCF-style: chr1-61824925-G-T.
Other names: c.901G>T, p.Gly301Ter (NM_001145511.2); c.1060G>T, p.Gly354Ter (NM_001145512.2); c.925G>T, p.Gly309Ter (NM_005595.5); short protein forms G301*, G309*, G354*.
Identifiers: ClinVar variation 2572617 (VCV002572617.1), dbSNP rs1255356768, ClinGen allele CA340588240.